The following is an entry in ClinVar:

ClinVar aggregate classification (germline): Benign (1 of 4 stars; one submission).

Conditions:
Myoglobinuria, acute recurrent, autosomal recessive. Also called: MYOGLOBINURIA, FAMILIAL PAROXYSMAL PARALYTIC; RHABDOMYOLYSIS, ACUTE RECURRENT; Myoglobinuria, recurrent, autosomal recessive. Identifiers: Orphanet 99845, MedGen C1849386, MONDO:0009992, OMIM 268200.

Allele frequency attached by ClinVar (database versions not stated): 1000 Genomes Project 0.00579; 1000 Genomes Project 30x 0.00593; gnomAD 0.00675 and 0.00727; TOPMed 0.00829.

Submission:

Illumina Laboratory Services, Illumina
Classification: Benign for Myoglobinuria, acute recurrent, autosomal recessive. Last evaluated: 2018-01-13. Review status: criteria provided, single submitter. Criteria: ICSL Variant Classification Criteria 13 December 2019. Collection method: clinical testing. Allele origin: germline.
Comment: This variant was observed in the ICSL laboratory as part of a predisposition screen in an ostensibly healthy population. It had not been previously curated by ICSL or reported in the Human Gene Mutation Database (HGMD: prior to June 1st, 2018), and was therefore a candidate for classification through an automated scoring system. Utilizing variant allele frequency, disease prevalence and penetrance estimates, and inheritance mode, an automated score was calculated to assess if this variant is too frequent to cause the disease. Based on the score and internal cut-off values, a variant classified as benign is not then subjected to further curation. The score for this variant resulted in a classification of benign for this disease.

NM_001349206.2(LPIN1):c.*2302G>T

Gene: LPIN1 (lipin 1; plus strand). Cytogenetic location: 2p25.1.
Variant type: single nucleotide variant.
Coding change: c.*2302G>T on transcript NM_001349206.2 (MANE Select); 2302 bases downstream of the stop codon, G replaced by T.
Molecular consequence: 3 prime UTR variant. On other transcripts: non-coding transcript variant (1).
Genome position (GRCh38, 1-based): chr2:11,827,093, G>T. VCF-style: chr2-11827093-G-T. GRCh37 (hg19) VCF-style: chr2-11967219-G-T.
Other names: c.*2302G>T (NM_001261427.3, NM_001261428.3, NM_001349199.2 and 9 more transcripts).
Identifiers: ClinVar variation 330957 (VCV000330957.5), dbSNP rs116614346, ClinGen allele CA10611098.